The following is an entry in ClinVar:

NM_000321.3(RB1):c.68C>A (p.Pro23Gln)

Gene: RB1 (RB transcriptional corepressor 1; plus strand). Cytogenetic location: 13q14.2.
Variant type: single nucleotide variant.
Coding change: c.68C>A on transcript NM_000321.3 (MANE Select); coding-DNA position 68, C replaced by A.
Protein change: p.Pro23Gln; replaces proline 23 with glutamine.
Molecular consequence: missense variant.
Genome position (GRCh38, 1-based): chr13:48,303,980, C>A. VCF-style: chr13-48303980-C-A. GRCh37 (hg19) VCF-style: chr13-48878116-C-A.
Other names: short protein forms P23Q.
Identifiers: ClinVar variation 845766 (VCV000845766.10), dbSNP rs1952053594, ClinGen allele CA388250262.

ClinVar aggregate classification (germline): Uncertain significance (1 of 4 stars; one submission).

Conditions:
Retinoblastoma (RB1). Also called: RETINOBLASTOMA, SOMATIC. Identifiers: Orphanet 790, MedGen C0035335, MeSH D012175, MONDO:0008380, OMIM 180200, HP:0009919. Disease mechanism: loss of function. Inheritance: Both sporadic and heritable forms are tested..

Submission:

Labcorp Genetics (formerly Invitae), Labcorp
Classification: Uncertain significance for Retinoblastoma. Last evaluated: 2019-12-17. Review status: criteria provided, single submitter. Criteria: Invitae Variant Classification Sherloc (09022015). Collection method: clinical testing. Allele origin: germline.
Comment: Algorithms developed to predict the effect of sequence changes on RNA splicing suggest that this variant may create or strengthen a splice site, but this prediction has not been confirmed by published transcriptional studies. In summary, the available evidence is currently insufficient to determine the role of this variant in disease. Therefore, it has been classified as a Variant of Uncertain Significance. This variant has not been reported in the literature in individuals with RB1-related conditions. The frequency data for this variant in the population databases is considered unreliable, as metrics indicate insufficient coverage at this position in the ExAC database. This sequence change replaces proline with glutamine at codon 23 of the RB1 protein (p.Pro23Gln). The proline residue is moderately conserved and there is a moderate physicochemical difference between proline and glutamine.